The following is an entry in ClinVar:

ClinVar aggregate classification (germline): Likely benign. Review status: criteria provided, multiple submitters, no conflicts (2 of 4 stars). 4 submissions from 4 submitters: Likely benign (4). Last evaluated 2026-05-27.

Conditions:
Inborn genetic diseases. Identifiers: MedGen C0950123, MeSH D030342.
INF2-related disorder. Also called: INF2-related condition.
Charcot-Marie-Tooth disease dominant intermediate E. Also called: CHARCOT-MARIE-TOOTH NEUROPATHY WITH FOCAL SEGMENTAL GLOMERULONEPHRITIS. Identifiers: Orphanet 93114, MedGen C4302667, MONDO:0013758, OMIM 614455.
Focal segmental glomerulosclerosis 5 (FSGS5). Identifiers: Orphanet 656, MedGen C2750475, MONDO:0013191, OMIM 613237.

Allele frequency attached by ClinVar (database versions not stated): gnomAD 0.00002 and 0.00003; TOPMed 0.00003; ExAC 0.00004.
gnomAD v4.1: 40 of 1,612,406 alleles (0.0025%); highest among the groups gnomAD compares: Non-Finnish European, 0.0032%; no homozygotes.

Submissions (4):

PreventionGenetics, part of Exact Sciences
Classification: Likely benign for INF2-related condition. Last evaluated: 2026-05-27. Review status: criteria provided, single submitter. Criteria: ACMG Guidelines, 2015. Collection method: clinical testing. Allele origin: germline.
Comment: This variant is classified as likely benign based on ACMG/AMP sequence variant interpretation guidelines (Richards et al. 2015 PMID: 25741868, with internal and published modifications).

Labcorp Genetics (formerly Invitae), Labcorp
Classification: Likely benign for Charcot-Marie-Tooth disease dominant intermediate E; Focal segmental glomerulosclerosis 5. Last evaluated: 2024-09-18. Review status: criteria provided, single submitter. Criteria: Invitae Variant Classification Sherloc (09022015). Collection method: clinical testing. Allele origin: germline.

Blueprint Genetics
Classification: Likely benign. Last evaluated: 2019-09-25. Review status: criteria provided, single submitter. Criteria: ACMG Guidelines, 2015. Collection method: clinical testing. Allele origin: germline.

Ambry Genetics
Classification: Likely benign for Inborn genetic diseases. Last evaluated: 2019-07-11. Review status: criteria provided, single submitter. Criteria: Ambry Variant Classification Scheme 2023. Collection method: clinical testing. Allele origin: germline.

NM_022489.4(INF2):c.1821C>A (p.Ser607=)

Gene: INF2 (inverted formin 2; plus strand). Cytogenetic location: 14q32.33.
Variant type: single nucleotide variant.
Coding change: c.1821C>A on transcript NM_022489.4 (MANE Select); coding-DNA position 1821, C replaced by A.
Protein change: p.Ser607=; no amino-acid change (serine 607 retained).
Molecular consequence: synonymous variant.
Genome position (GRCh38, 1-based): chr14:104,708,521, C>A. VCF-style: chr14-104708521-C-A. GRCh37 (hg19) VCF-style: chr14-105174858-C-A.
Other names: c.1821C>A, p.Ser607= (NM_001031714.4).
Identifiers: ClinVar variation 472839 (VCV000472839.15), dbSNP rs751949801, ClinGen allele CA7372684.